The following is an entry in ClinVar:

ClinVar aggregate classification (germline): Uncertain significance. Review status: criteria provided, multiple submitters, no conflicts (2 of 4 stars). 2 submissions from 2 submitters: Uncertain significance (2). Last evaluated 2026-04-08.

Conditions:
Cardiovascular phenotype. Identifiers: MedGen CN230736.

Submissions (2):

Women's Health and Genetics/Laboratory Corporation of America, LabCorp
Classification: Uncertain significance. Last evaluated: 2026-04-08. Review status: criteria provided, single submitter. Criteria: LabCorp Variant Classification Summary - May 2015. Collection method: clinical testing. Allele origin: germline.
Comment: Variant summary: PRDM5 c.163A>T (p.Arg55Trp) results in a non-conservative amino acid change in the encoded protein sequence. Algorithms developed to predict the effect of missense changes on protein structure and function all suggest that this variant is likely to be disruptive. The variant allele was found at a frequency of 4e-06 in 251406 control chromosomes. The available data on variant occurrences in the general population are insufficient to allow any conclusion about variant significance. To our knowledge, no occurrence of c.163A>T in individuals affected with PRDM5-related conditions and no experimental evidence demonstrating its impact on protein function have been reported. ClinVar contains an entry for this variant (Variation ID: 3424701). Based on the evidence outlined above, the variant was classified as uncertain significance.

Ambry Genetics
Classification: Uncertain significance for Cardiovascular phenotype. Last evaluated: 2024-08-28. Review status: criteria provided, single submitter. Criteria: Ambry Variant Classification Scheme 2023. Collection method: clinical testing. Allele origin: germline.
Comment: The p.R55W variant (also known as c.163A>T), located in coding exon 2 of the PRDM5 gene, results from an A to T substitution at nucleotide position 163. The arginine at codon 55 is replaced by tryptophan, an amino acid with dissimilar properties. This amino acid position is conserved. In addition, this alteration is predicted to be deleterious by in silico analysis. Based on the available evidence, the clinical significance of this variant remains unclear.

NM_018699.4(PRDM5):c.163A>T (p.Arg55Trp)

Gene: PRDM5 (PR/SET domain 5; minus strand). Cytogenetic location: 4q27.
Variant type: single nucleotide variant.
Coding change: c.163A>T on transcript NM_018699.4 (MANE Select); coding-DNA position 163, A replaced by T.
Protein change: p.Arg55Trp; replaces arginine 55 with tryptophan.
Molecular consequence: missense variant.
Genome position (GRCh38, 1-based): chr4:120,907,488, T>A on the plus strand (A>T on the coding strand, the complement: PRDM5 is on the minus strand). VCF-style: chr4-120907488-T-A. GRCh37 (hg19) VCF-style: chr4-121828643-T-A.
Other names: c.163A>T, p.Arg55Trp (NM_001300824.2, NM_001379104.1, NM_001379106.1 and 1 more transcripts); short protein forms R55W.
Identifiers: ClinVar variation 3424701 (VCV003424701.2).
Genomic context (GRCh38, chr4:120,907,488, plus strand): 5'-TACAATACAAATATATTTTTAACATTAAAATAAGTCATATCCTCACCTCCCACATCAACC[T>A]GTAATCCATATTTTCATCCAAGTCTTCAGGCATTCTCTTCTCTCCAGCAAAGGGTCCGAA-3'
Protein context (NP_061169.2, residues 45-65): PEDLDENMDY[Arg55Trp]LMWEVRGSKG